The following is an entry in ClinVar:

NM_001606.5(ABCA2):c.3984G>A (p.Ser1328=)

Gene: ABCA2 (ATP binding cassette subfamily A member 2; minus strand). Cytogenetic location: 9q34.3.
Variant type: single nucleotide variant.
Coding change: c.3984G>A on transcript NM_001606.5 (MANE Select); coding-DNA position 3984, G replaced by A.
Protein change: p.Ser1328=; no amino-acid change (serine 1328 retained).
Molecular consequence: synonymous variant.
Genome position (GRCh38, 1-based): chr9:137,014,709, C>T on the plus strand (G>A on the coding strand, the complement: ABCA2 is on the minus strand). VCF-style: chr9-137014709-C-T. GRCh37 (hg19) VCF-style: chr9-139909161-C-T.
Other names: c.4074G>A, p.Ser1358= (NM_212533.3).
Identifiers: ClinVar variation 744704 (VCV000744704.29), dbSNP rs760848419, ClinGen allele CA5354569.

ClinVar aggregate classification (germline): Likely benign. Review status: criteria provided, multiple submitters, no conflicts (2 of 4 stars). 4 submissions from 4 submitters: Likely benign (4). Last evaluated 2024-11-19.

Allele frequency attached by ClinVar (database versions not stated): TOPMed 0.00006; gnomAD exomes 0.00018; ExAC 0.00023.
gnomAD v4.1: 166 of 1,606,260 alleles (0.01%); highest among the groups gnomAD compares: Middle Eastern, 0.25%; 1 homozygote.

Submissions (4):

Blueprint Genetics
Classification: Likely benign. Last evaluated: 2024-11-19. Review status: criteria provided, single submitter. Criteria: ACMG Guidelines, 2015. Collection method: clinical testing. Allele origin: germline.

CeGaT Center for Human Genetics Tuebingen
Classification: Likely benign. Last evaluated: 2022-08-01. Review status: criteria provided, single submitter. Criteria: CeGaT Center For Human Genetics Tuebingen Variant Classification Criteria Version 2. Collection method: clinical testing. Allele origin: germline. Affected: yes. Observed: 1 variant allele.
Comment: ABCA2: BP4, BP7

Labcorp Genetics (formerly Invitae), Labcorp
Classification: Likely benign. Last evaluated: 2018-11-27. Review status: criteria provided, single submitter. Criteria: Invitae Variant Classification Sherloc (09022015). Collection method: clinical testing. Allele origin: germline.

Breakthrough Genomics
Classification: Likely benign. Review status: criteria provided, single submitter. Criteria: ACMG Guidelines, 2015. Collection method: not provided. Allele origin: germline. Inheritance: Autosomal recessive inheritance. Affected: yes.